The following is an entry in ClinVar:

ClinVar aggregate classification (germline): Conflicting classifications of pathogenicity. Review status: criteria provided, conflicting classifications (1 of 4 stars). 5 submissions from 5 submitters: Uncertain significance (2); Benign (1); Likely benign (2). Last evaluated 2026-01-06.

Conditions:
Gallbladder disease 4 (GBD4). Identifiers: MedGen C1969115, MONDO:1010151, OMIM 611465.
Sitosterolemia 1. Identifiers: MedGen C2749759, MONDO:0020747, OMIM 210250.

Allele frequency attached by ClinVar (database versions not stated): gnomAD exomes 0.00023; ExAC 0.00029; ESP Exome Variant Server 0.00046; 1000 Genomes Project 0.00060; 1000 Genomes Project 30x 0.00062; gnomAD 0.00074 and 0.00078; TOPMed 0.00098.
gnomAD v4.1: 238 of 1,613,730 alleles (0.015%); highest among the groups gnomAD compares: African/African-American, 0.29%; no homozygotes.

Submissions (5):

Labcorp Genetics (formerly Invitae), Labcorp
Classification: Benign. Last evaluated: 2026-01-06. Review status: criteria provided, single submitter. Criteria: Invitae Variant Classification Sherloc (09022015). Collection method: clinical testing. Allele origin: germline.

Mayo Clinic Laboratories, Mayo Clinic
Classification: Likely benign. Last evaluated: 2025-09-19. Review status: criteria provided, single submitter. Criteria: ACMG Guidelines, 2015. Collection method: clinical testing. Allele origin: germline. Observed: 1 variant allele.
Comment: BP4, BP7

Women's Health and Genetics/Laboratory Corporation of America, LabCorp
Classification: Likely benign. Last evaluated: 2025-04-15. Review status: criteria provided, single submitter. Criteria: LabCorp Variant Classification Summary - May 2015. Collection method: clinical testing. Allele origin: germline.

New York Genome Center
Classification: Uncertain significance for Sitosterolemia 1; Gallbladder disease 4. Last evaluated: 2022-04-20. Review status: criteria provided, single submitter. Criteria: NYGC Assertion Criteria 2020. Collection method: clinical testing. Allele origin: germline. Observed: 1 heterozygote.

Eurofins Ntd Llc (ga)
Classification: Uncertain significance. Last evaluated: 2016-10-05. Review status: criteria provided, single submitter. Criteria: EGL Classification Definitions 2015. Collection method: clinical testing. Allele origin: germline. Observed: 2 variant alleles, 2 heterozygotes.

NM_022437.3(ABCG8):c.1411+8T>A

Gene: ABCG8 (ATP binding cassette subfamily G member 8; plus strand). Cytogenetic location: 2p21.
Variant type: single nucleotide variant.
Coding change: c.1411+8T>A on transcript NM_022437.3 (MANE Select); 8 bases into the intron after coding-DNA position 1411, T replaced by A.
Molecular consequence: intron variant.
Genome position (GRCh38, 1-based): chr2:43,873,994, T>A. VCF-style: chr2-43873994-T-A. GRCh37 (hg19) VCF-style: chr2-44101133-T-A.
Other names: p.?; c.1408+8T>A (NM_001357321.2).
Identifiers: ClinVar variation 497784 (VCV000497784.22), dbSNP rs201991639, ClinGen allele CA1637422.